The following is an entry in ClinVar:

ClinVar aggregate classification (germline): Uncertain significance (1 of 4 stars; one submission).

Conditions:
Bloom syndrome (BLM). Also called: Bloom-Torre-Machacek syndrome. Identifiers: Orphanet 125, MedGen C0005859, MONDO:0008876, OMIM 210900.

Submission:

Labcorp Genetics (formerly Invitae), Labcorp
Classification: Uncertain significance for Bloom syndrome. Last evaluated: 2024-08-14. Review status: criteria provided, single submitter. Criteria: Invitae Variant Classification Sherloc (09022015). Collection method: clinical testing. Allele origin: germline.
Comment: This sequence change replaces threonine, which is neutral and polar, with serine, which is neutral and polar, at codon 528 of the BLM protein (p.Thr528Ser). This variant is not present in population databases (gnomAD no frequency). This variant has not been reported in the literature in individuals affected with BLM-related conditions. Invitae Evidence Modeling of protein sequence and biophysical properties (such as structural, functional, and spatial information, amino acid conservation, physicochemical variation, residue mobility, and thermodynamic stability) indicates that this missense variant is not expected to disrupt BLM protein function with a negative predictive value of 80%. In summary, the available evidence is currently insufficient to determine the role of this variant in disease. Therefore, it has been classified as a Variant of Uncertain Significance.

NM_000057.4(BLM):c.1583C>G (p.Thr528Ser)

Gene: BLM (BLM RecQ like helicase; plus strand). Cytogenetic location: 15q26.1.
Variant type: single nucleotide variant.
Coding change: c.1583C>G on transcript NM_000057.4 (MANE Select); coding-DNA position 1583, C replaced by G.
Protein change: p.Thr528Ser; replaces threonine 528 with serine.
Molecular consequence: missense variant.
Genome position (GRCh38, 1-based): chr15:90,760,956, C>G. VCF-style: chr15-90760956-C-G. GRCh37 (hg19) VCF-style: chr15-91304186-C-G.
Other names: c.1583C>G, p.Thr528Ser (NM_001287246.2, NM_001287247.2); c.458C>G, p.Thr153Ser (NM_001287248.2); short protein forms T528S, T153S.
Identifiers: ClinVar variation 3662347 (VCV003662347.2).